The following is an entry in ClinVar:

ClinVar aggregate classification (germline): Uncertain significance (1 of 4 stars; one submission).

Conditions:
Charcot-Marie-Tooth disease dominant intermediate C (CMTDIC). Also called: CHARCOT-MARIE-TOOTH NEUROPATHY, DOMINANT INTERMEDIATE C. Identifiers: Orphanet 100045, MedGen C1842237, MONDO:0012012, OMIM 608323.

Submission:

Labcorp Genetics (formerly Invitae), Labcorp
Classification: Uncertain significance for Charcot-Marie-Tooth disease dominant intermediate C. Last evaluated: 2023-12-22. Review status: criteria provided, single submitter. Criteria: Invitae Variant Classification Sherloc (09022015). Collection method: clinical testing. Allele origin: germline.
Comment: This variant is a gross deletion of the genomic region encompassing exon(s) 9-10 of the YARS gene. This variant would be expected to be in-frame, preserving the integrity of the reading frame. This variant has not been reported in the literature in individuals affected with YARS-related conditions. Experimental studies and prediction algorithms are not available or were not evaluated, and the functional significance of this variant is currently unknown. In summary, the available evidence is currently insufficient to determine the role of this variant in disease. Therefore, it has been classified as a Variant of Uncertain Significance.

NC_000001.10:g.(?_33246629)_(33248160_?)del

Gene: YARS1 (tyrosyl-tRNA synthetase 1; minus strand). Cytogenetic location: 1p35.1.
Variant type: Deletion.
Identifiers: ClinVar variation 2424723 (VCV002424723.4).